The following is an entry in ClinVar:

NM_005045.4(RELN):c.4146C>G (p.Ser1382Arg)

Gene: RELN (reelin; minus strand). Cytogenetic location: 7q22.1.
Variant type: single nucleotide variant.
Coding change: c.4146C>G on transcript NM_005045.4 (MANE Select); coding-DNA position 4146, C replaced by G.
Protein change: p.Ser1382Arg; replaces serine 1382 with arginine.
Molecular consequence: missense variant.
Genome position (GRCh38, 1-based): chr7:103,575,705, G>C on the plus strand (C>G on the coding strand, the complement: RELN is on the minus strand). VCF-style: chr7-103575705-G-C. GRCh37 (hg19) VCF-style: chr7-103216152-G-C.
Other names: c.4146C>G, p.Ser1382Arg (NM_173054.3); short protein forms S1382R.
Identifiers: ClinVar variation 2935310 (VCV002935310.3), dbSNP rs779713960, ClinGen allele CA4421581.

ClinVar aggregate classification (germline): Uncertain significance (1 of 4 stars; one submission).

Conditions:
Familial temporal lobe epilepsy 7. Identifiers: Orphanet 101046, MedGen C4225327, MONDO:0014639, OMIM 616436.
Norman-Roberts syndrome (LIS2). Also called: Lissencephaly 2 (Norman-Roberts type). Identifiers: Orphanet 89844, MedGen C0796089, MONDO:0009760, OMIM 257320.

Allele frequency attached by ClinVar (database versions not stated): ExAC 0.00001; gnomAD 0.00001.
gnomAD v4.1: 5 of 1,613,952 alleles (0.00031%); highest among the groups gnomAD compares: African/African-American, 0.0013%; no homozygotes.

Submission:

Labcorp Genetics (formerly Invitae), Labcorp
Classification: Uncertain significance for Familial temporal lobe epilepsy 7; Norman-Roberts syndrome. Last evaluated: 2025-02-12. Review status: criteria provided, single submitter. Criteria: Invitae Variant Classification Sherloc (09022015). Collection method: clinical testing. Allele origin: germline.
Comment: This sequence change replaces serine, which is neutral and polar, with arginine, which is basic and polar, at codon 1382 of the RELN protein (p.Ser1382Arg). This variant is present in population databases (rs779713960, gnomAD 0.004%). This variant has not been reported in the literature in individuals affected with RELN-related conditions. ClinVar contains an entry for this variant (Variation ID: 2935310). An algorithm developed to predict the effect of missense changes on protein structure and function (PolyPhen-2) suggests that this variant is likely to be disruptive. In summary, the available evidence is currently insufficient to determine the role of this variant in disease. Therefore, it has been classified as a Variant of Uncertain Significance.